The following is an entry in ClinVar:

ClinVar aggregate classification (germline): Uncertain significance (1 of 4 stars; one submission).

Conditions:
Gorlin syndrome. Also called: Nevoid Basal Cell Carcinoma Syndrome; Basal cell nevus syndrome. Identifiers: Orphanet 377, MedGen C0004779, MONDO:0007187.

Allele frequency attached by ClinVar (database versions not stated): ExAC 0.00002.

Submission:

Labcorp Genetics (formerly Invitae), Labcorp
Classification: Uncertain significance for Gorlin syndrome. Last evaluated: 2022-08-02. Review status: criteria provided, single submitter. Criteria: Invitae Variant Classification Sherloc (09022015). Collection method: clinical testing. Allele origin: germline.
Comment: The frequency data for this variant in the population databases is considered unreliable, as metrics indicate poor data quality at this position in the gnomAD database. This variant has not been reported in the literature in individuals affected with PTCH2-related conditions. Algorithms developed to predict the effect of sequence changes on RNA splicing suggest that this variant may disrupt the consensus splice site. In summary, the available evidence is currently insufficient to determine the role of this variant in disease. Therefore, it has been classified as a Variant of Uncertain Significance. This sequence change affects an acceptor splice site in intron 10 of the PTCH2 gene. It is expected to disrupt RNA splicing. Variants that disrupt the donor or acceptor splice site typically lead to a loss of protein function (PMID: 16199547), however the current clinical and genetic evidence is not sufficient to establish whether loss-of-function variants in PTCH2 cause disease.

Literature cited by the submitters: PubMed 16199547.

NM_003738.5(PTCH2):c.1372-1G>T

Gene: PTCH2 (patched 2; minus strand). Cytogenetic location: 1p34.1.
Variant type: single nucleotide variant.
Coding change: c.1372-1G>T on transcript NM_003738.5 (MANE Select); the canonical splice acceptor site of the intron before coding-DNA position 1372, G replaced by T.
Molecular consequence: splice acceptor variant.
Genome position (GRCh38, 1-based): chr1:44,829,075, C>A on the plus strand (G>T on the coding strand, the complement: PTCH2 is on the minus strand). VCF-style: chr1-44829075-C-A. GRCh37 (hg19) VCF-style: chr1-45294747-C-A.
Other names: c.1372-1G>T (NM_001166292.2).
Identifiers: ClinVar variation 2196322 (VCV002196322.4), dbSNP rs760470396, ClinGen allele CA823324.